The following is an entry in ClinVar:

NM_024675.4(PALB2):c.293dup (p.Thr99fs)

Gene: PALB2 (partner and localizer of BRCA2; minus strand). Cytogenetic location: 16p12.2.
Variant type: Duplication.
Coding change: c.293dup on transcript NM_024675.4 (MANE Select); coding-DNA position 293, one base duplicated (T; older notation c.293dupT).
Protein change: p.Thr99fs; shifts the reading frame from threonine 99.
Molecular consequence: frameshift variant.
Genome position (GRCh38, 1-based): chr16:23,636,253, A duplicated on the plus strand (T on the coding strand, the reverse complement: PALB2 is on the minus strand). VCF-style (leftmost placement, unchanged base first): chr16-23636252-G-GA. GRCh37 (hg19) VCF-style: chr16-23647573-G-GA.
Other names: short protein forms T99fs.
Identifiers: ClinVar variation 922313 (VCV000922313.3), dbSNP rs1967057228, ClinGen allele CA913188738.

ClinVar aggregate classification (germline): Pathogenic/Likely pathogenic. Review status: criteria provided, multiple submitters, no conflicts (2 of 4 stars). 2 submissions from 2 submitters: Pathogenic (1); Likely pathogenic (1). Last evaluated 2024-03-25.

Conditions:
Hereditary cancer-predisposing syndrome. Also called: Neoplastic Syndromes, Hereditary; Tumor predisposition; Hereditary Cancer Syndrome; Hereditary neoplastic syndrome. Identifiers: Orphanet 140162, MedGen C0027672, MeSH D009386, MONDO:0015356.
Familial cancer of breast. Also called: BREAST CANCER, FAMILIAL; hereditary breast carcinoma; Hereditary breast cancer. Identifiers: Orphanet 227535, MedGen C0346153, MONDO:0016419, OMIM 114480. Disease mechanism: loss of function.

Submissions (2):

Institute of Medical Genetics and Applied Genomics, University Hospital Tübingen
Classification: Likely pathogenic for Familial cancer of breast. Last evaluated: 2024-03-25. Review status: criteria provided, single submitter. Criteria: ACMG Guidelines, 2015. Collection method: clinical testing. Allele origin: germline. Inheritance: Autosomal dominant inheritance. Affected: yes.

Color Diagnostics, LLC DBA Color Health
Classification: Pathogenic for Hereditary cancer-predisposing syndrome. Last evaluated: 2020-01-15. Review status: criteria provided, single submitter. Criteria: ACMG Guidelines, 2015. Collection method: clinical testing. Allele origin: germline.
Comment: This variant inserts 1 nucleotide in exon 4 of the PALB2 gene, creating a frameshift and premature translation stop signal. This variant is expected to result in an absent or non-functional protein product. This variant has not been identified in the general population by the Genome Aggregation Database (gnomAD). Loss of PALB2 function is a known mechanism of disease. Based on the available evidence, this variant is classified as Pathogenic.